The following is an entry in ClinVar:

ClinVar aggregate classification (germline): Uncertain significance (1 of 4 stars; one submission).

Conditions:
Hereditary cancer-predisposing syndrome. Also called: Tumor predisposition; Hereditary Cancer Syndrome; Hereditary neoplastic syndrome; Neoplastic Syndromes, Hereditary. Identifiers: Orphanet 140162, MedGen C0027672, MeSH D009386, MONDO:0015356.

Submission:

Ambry Genetics
Classification: Uncertain significance for Hereditary cancer-predisposing syndrome. Last evaluated: 2023-07-27. Review status: criteria provided, single submitter. Criteria: Ambry Variant Classification Scheme 2023. Collection method: clinical testing. Allele origin: germline.
Comment: The p.A466V variant (also known as c.1397C>T), located in coding exon 9 of the PDGFRA gene, results from a C to T substitution at nucleotide position 1397. The alanine at codon 466 is replaced by valine, an amino acid with similar properties. This amino acid position is conserved. In addition, this alteration is predicted to be tolerated by in silico analysis. Since supporting evidence is limited at this time, the clinical significance of this alteration remains unclear.

NM_006206.6(PDGFRA):c.1397C>T (p.Ala466Val)

Gene: PDGFRA (platelet derived growth factor receptor alpha; plus strand). Cytogenetic location: 4q12.
Variant type: single nucleotide variant.
Coding change: c.1397C>T on transcript NM_006206.6 (MANE Select); coding-DNA position 1397, C replaced by T.
Protein change: p.Ala466Val; replaces alanine 466 with valine.
Molecular consequence: missense variant.
Genome position (GRCh38, 1-based): chr4:54,273,569, C>T. VCF-style: chr4-54273569-C-T. GRCh37 (hg19) VCF-style: chr4-55139736-C-T.
Other names: c.1397C>T, p.Ala466Val (NM_001347827.2, NM_001347829.2); c.1472C>T, p.Ala491Val (NM_001347828.2); c.1436C>T, p.Ala479Val (NM_001347830.2); short protein forms A466V, A479V, A491V.
Identifiers: ClinVar variation 2587719 (VCV002587719.2), dbSNP rs2110291497, ClinGen allele CA356892486.
Genomic context (GRCh38, chr4:54,273,569, plus strand): 5'-CCTATACTTAGGCCCTTTTTCTCTCTAGATGTAATAATGAAACTTCCTGGACTATTTTGG[C>T]CAACAATGTCTCAAACATCATCACGGAGATCCACTCCCGAGACAGGAGTACCGTGGAGGG-3'
Protein context (NP_006197.1, residues 456-476): CNNETSWTIL[Ala466Val]NNVSNIITEI